The following is an entry in ClinVar:

ClinVar aggregate classification (germline): Uncertain significance (1 of 4 stars; one submission).

Conditions:
Developmental and epileptic encephalopathy, 53. Also called: Epileptic encephalopathy, early infantile, 53. Identifiers: MedGen C4479313, MONDO:0033362, OMIM 617389.
Early-onset Parkinson disease 20. Also called: PARKINSON DISEASE 20, AUTOSOMAL RECESSIVE EARLY-ONSET. Identifiers: Orphanet 391411, MedGen C3809824, MONDO:0014233, OMIM 615530.

Allele frequency attached by ClinVar (database versions not stated): gnomAD exomes below 0.00001; gnomAD 0.00001.

Submission:

Labcorp Genetics (formerly Invitae), Labcorp
Classification: Uncertain significance for Developmental and epileptic encephalopathy, 53; Early-onset Parkinson disease 20. Last evaluated: 2022-06-17. Review status: criteria provided, single submitter. Criteria: Invitae Variant Classification Sherloc (09022015). Collection method: clinical testing. Allele origin: germline.
Comment: This sequence change replaces aspartic acid, which is acidic and polar, with asparagine, which is neutral and polar, at codon 280 of the SYNJ1 protein (p.Asp280Asn). This variant is not present in population databases (gnomAD no frequency). In summary, the available evidence is currently insufficient to determine the role of this variant in disease. Therefore, it has been classified as a Variant of Uncertain Significance. Algorithms developed to predict the effect of missense changes on protein structure and function are either unavailable or do not agree on the potential impact of this missense change (SIFT: "Tolerated"; PolyPhen-2: "Possibly Damaging"; Align-GVGD: "Class C0"). This variant has not been reported in the literature in individuals affected with SYNJ1-related conditions.

NM_203446.3(SYNJ1):c.721G>A (p.Asp241Asn)

Gene: SYNJ1 (synaptojanin 1; minus strand). Cytogenetic location: 21q22.11.
Variant type: single nucleotide variant.
Coding change: c.721G>A on transcript NM_203446.3 (MANE Select); coding-DNA position 721, G replaced by A.
Protein change: p.Asp241Asn; replaces aspartic acid 241 with asparagine.
Molecular consequence: missense variant.
Genome position (GRCh38, 1-based): chr21:32,694,296, C>T on the plus strand (G>A on the coding strand, the complement: SYNJ1 is on the minus strand). VCF-style: chr21-32694296-C-T. GRCh37 (hg19) VCF-style: chr21-34066606-C-T.
Other names: c.721G>A, p.Asp241Asn (NM_001160302.2, NM_001160306.2); c.838G>A, p.Asp280Asn (NM_003895.4); short protein forms D241N, D280N.
Identifiers: ClinVar variation 2043108 (VCV002043108.4), dbSNP rs2042126912, ClinGen allele CA410097862.